The following is an entry in ClinVar:

NM_000384.3(APOB):c.11855G>A (p.Arg3952His)

Gene: APOB (apolipoprotein B; minus strand). Cytogenetic location: 2p24.1.
Variant type: single nucleotide variant.
Coding change: c.11855G>A on transcript NM_000384.3 (MANE Select); coding-DNA position 11855, G replaced by A.
Protein change: p.Arg3952His; replaces arginine 3952 with histidine.
Molecular consequence: missense variant.
Genome position (GRCh38, 1-based): chr2:21,004,609, C>T on the plus strand (G>A on the coding strand, the complement: APOB is on the minus strand). VCF-style: chr2-21004609-C-T. GRCh37 (hg19) VCF-style: chr2-21227481-C-T.
Other names: short protein forms R3952H.
Identifiers: ClinVar variation 334090 (VCV000334090.11), dbSNP rs886055576, ClinGen allele CA10613907.

ClinVar aggregate classification (germline): Uncertain significance. Review status: criteria provided, multiple submitters, no conflicts (2 of 4 stars). 4 submissions from 3 submitters: Uncertain significance (4). Last evaluated 2024-05-06.

Conditions:
Hypercholesterolemia, autosomal dominant, type B (FHCL2). Also called: Familial hypercholesterolemia 2; Familial Hypercholesterolemia Type B; APOLIPOPROTEIN B-100, FAMILIAL DEFECTIVE; APOLIPOPROTEIN B-100, FAMILIAL LIGAND-DEFECTIVE; HYPERCHOLESTEROLEMIA, FAMILIAL, DUE TO LIGAND-DEFECTIVE APOLIPOPROTEIN B; APOB-Related Familial Hypercholesterolemia, Autosomal Dominant. Identifiers: MedGen C1704417, MONDO:0007751, OMIM 144010.
Familial hypobetalipoproteinemia 1. Also called: Hypobetalipoproteinemia, normotriglyceridemic; Acanthocytosis with hypobetalipoproteinemia; APOB-Related Familial Hypobetalipoproteinemia. Identifiers: MedGen C4551990, MONDO:0014252, OMIM 615558.

Allele frequency attached by ClinVar (database versions not stated): gnomAD exomes 0.00001; gnomAD 0.00002; TOPMed 0.00002.
gnomAD v4.1: 11 of 1,613,810 alleles (0.00068%); highest among the groups gnomAD compares: African/African-American, 0.0027%; no homozygotes.

Submissions (4):

Labcorp Genetics (formerly Invitae), Labcorp
Classification: Uncertain significance for Familial hypobetalipoproteinemia 1; Hypercholesterolemia, autosomal dominant, type B. Last evaluated: 2024-05-06. Review status: criteria provided, single submitter. Criteria: Invitae Variant Classification Sherloc (09022015). Collection method: clinical testing. Allele origin: germline.
Comment: This sequence change replaces arginine, which is basic and polar, with histidine, which is basic and polar, at codon 3952 of the APOB protein (p.Arg3952His). This variant is present in population databases (no rsID available, gnomAD 0.004%). This variant has not been reported in the literature in individuals affected with APOB-related conditions. ClinVar contains an entry for this variant (Variation ID: 334090). Advanced modeling of protein sequence and biophysical properties (such as structural, functional, and spatial information, amino acid conservation, physicochemical variation, residue mobility, and thermodynamic stability) performed at Invitae indicates that this missense variant is not expected to disrupt APOB protein function with a negative predictive value of 95%. In summary, the available evidence is currently insufficient to determine the role of this variant in disease. Therefore, it has been classified as a Variant of Uncertain Significance.

New York Genome Center
Classification: Uncertain significance for Hypercholesterolemia, autosomal dominant, type B; Familial hypobetalipoproteinemia 1. Last evaluated: 2020-11-30. Review status: criteria provided, single submitter. Criteria: NYGC Assertion Criteria 2020. Collection method: clinical testing. Allele origin: germline. Observed: 1 heterozygote.

Illumina Laboratory Services, Illumina
Classification: Uncertain significance for Hypercholesterolemia, autosomal dominant, type B. Last evaluated: 2018-01-13. Review status: criteria provided, single submitter. Criteria: ICSL Variant Classification Criteria 13 December 2019. Collection method: clinical testing. Allele origin: germline.

Illumina Laboratory Services, Illumina
Classification: Uncertain significance for Familial hypobetalipoproteinemia 1. Last evaluated: 2018-01-13. Review status: criteria provided, single submitter. Criteria: ICSL Variant Classification Criteria 13 December 2019. Collection method: clinical testing. Allele origin: germline.